The following is an entry in ClinVar:

NM_000545.8(HNF1A):c.197A>T (p.Glu66Val)

Gene: HNF1A (HNF1 homeobox A; plus strand). Cytogenetic location: 12q24.31.
Variant type: single nucleotide variant.
Coding change: c.197A>T on transcript NM_000545.8 (MANE Select); coding-DNA position 197, A replaced by T.
Protein change: p.Glu66Val; replaces glutamic acid 66 with valine.
Molecular consequence: missense variant.
Genome position (GRCh38, 1-based): chr12:120,978,965, A>T. VCF-style: chr12-120978965-A-T. GRCh37 (hg19) VCF-style: chr12-121416768-A-T.
Other names: c.197A>T, p.Glu66Val (NM_001306179.2, NM_001406915.1); short protein forms E66V.
Identifiers: ClinVar variation 4975541 (VCV004975541.1).

ClinVar aggregate classification (germline): Uncertain significance (1 of 4 stars; one submission).

gnomAD v4.1: 7 of 1,608,372 alleles (0.00044%); highest among the groups gnomAD compares: Non-Finnish European, 0.00059%; no homozygotes.

Submission:

GeneDx
Classification: Uncertain significance. Last evaluated: 2026-01-25. Review status: criteria provided, single submitter. Criteria: GeneDx Variant Classification Process June 2021. Collection method: clinical testing. Allele origin: germline.
Comment: Not observed at significant frequency in large population cohorts (gnomAD); In silico analysis supports that this missense variant has a deleterious effect on protein structure/function; Has not been previously published as pathogenic or benign to our knowledge